The following continues an entry in ClinVar:

NM_000159.4(GCDH):c.281G>A (p.Arg94Gln)

Gene: GCDH. ClinVar aggregate classification (germline): Pathogenic/Likely pathogenic. Pathogenic (8); Likely pathogenic (3).

Submissions 10 to 12 of 12:

GeneDx
Classification: Likely pathogenic. Last evaluated: 2016-08-26. Review status: criteria provided, single submitter. Criteria: GeneDx Variant Classification (06012015). Collection method: clinical testing. Allele origin: germline. Affected: yes.
Comment: The R94Q (c.281 G>A) variant in the GCDH gene has previously been reported in two siblings believed to have glutaric aciduria type I (GA1) who were low glutaric acid excretors and were compound heterozygous for R94Q (c.281 G>A) and another missense variant in the GCDH gene (Gupta et al. 2015). The R94Q (c.281 G>A) variant was not observed with any significant frequency in approximately 6500 individuals of European and African American ancestry in the NHLBI Exome Sequencing Project. The R94Q variant is a semi-conservative amino acid substitution, which occurs at a position that is highly conserved. In silico analysis predicts that R94Q is probably damaging to the protein structure/function. Furthermore, several in-silico splice prediction models predict that the c.281 G>A nucleotide substitution, responsible for R94Q, creates a cryptic acceptor site which may supplant the natural acceptor site and lead to abnormal gene splicing. However, in the absence of RNA/functional studies, the actual effect of this sequence change in this individual is unknown. In summary, we interpret R94Q (c.281 G>A) to be likely pathogenic; however, the possibility that it is benign cannot be excluded.

Neuberg Centre For Genomic Medicine, NCGM
Classification: Pathogenic for Glutaric aciduria, type 1. Review status: criteria provided, single submitter. Criteria: ACMG Guidelines, 2015. Collection method: clinical testing. Allele origin: germline. Inheritance: Autosomal recessive inheritance. Affected: yes.
Comment: The missense variant c.281G>A (p.Arg94Gln) in GCDH gene has been observed in combination with another GCDH variant in individual(s) with glutaric acidemia (Gupta N et.al.,2015). This variant has been reported to affect GCDH protein function (Dwyer TM et.al.,2001). This variant has been reported to the ClinVar database as Pathogenic. The p.Arg94Gln variant is novel (not in any individuals) in 1000 Genomes and allele frequency of 0.01233% is reported in gnomAD. The amino acid Arg at position 94 is changed to a Gln changing protein sequence and it might alter its composition and physico-chemical properties. The variant is predicted to be damaging by both SIFT and PolyPhen2. The residue is conserved across species. The amino acid change p.Arg94Gln in GCDH is predicted as conserved by GERP++ and PhyloP across 100 vertebrates. For these reasons, this variant has been classified as Pathogenic.

Counsyl
Classification: Uncertain significance for Glutaric aciduria, type 1. Last evaluated: 2017-08-18. Review status: no assertion criteria provided. Collection method: clinical testing. Allele origin: unknown. Not counted in ClinVar's aggregate classification.

Literature cited by the submitters: PubMed 25762492 (cited by 4 submitters); PubMed 11024031 (cited by 5 submitters); PubMed 9600243 (cited by Labcorp Genetics (formerly Invitae), Labcorp); PubMed 38374498 (cited by Natera, Inc.); PubMed 35662016 (cited by Natera, Inc.); PubMed 31302874 (cited by Natera, Inc. and Victorian Clinical Genetics Services, Murdoch Childrens Research Institute); PubMed 33728242 (cited by 3 submitters); PubMed 33138774 (cited by Women's Health and Genetics/Laboratory Corporation of America, LabCorp and Victorian Clinical Genetics Services, Murdoch Childrens Research Institute); PubMed 35822093 (cited by Women's Health and Genetics/Laboratory Corporation of America, LabCorp).